The following is an entry in ClinVar:

NM_006329.4(FBLN5):c.1185+18G>A

Gene: FBLN5 (fibulin 5; minus strand). Cytogenetic location: 14q32.12.
Variant type: single nucleotide variant.
Coding change: c.1185+18G>A on transcript NM_006329.4 (MANE Select); 18 bases into the intron after coding-DNA position 1185, G replaced by A.
Molecular consequence: intron variant.
Genome position (GRCh38, 1-based): chr14:91,877,469, C>T on the plus strand (G>A on the coding strand, the complement: FBLN5 is on the minus strand). VCF-style: chr14-91877469-C-T. GRCh37 (hg19) VCF-style: chr14-92343813-C-T.
Other names: c.1185+18G>A (NM_001384160.1); c.1308+18G>A (NM_001384158.1); c.1017+18G>A (NM_001384162.1, NM_001384161.1); c.1236+18G>A (NM_001384159.1).
Identifiers: ClinVar variation 390012 (VCV000390012.4), dbSNP rs372037997, ClinGen allele CA7312604.

ClinVar aggregate classification (germline): Likely benign. Review status: criteria provided, multiple submitters, no conflicts (2 of 4 stars). 2 submissions from 2 submitters: Likely benign (2). Last evaluated 2023-02-16.

Allele frequency attached by ClinVar (database versions not stated): gnomAD 0.00001; gnomAD exomes 0.00001; TOPMed 0.00001; ESP Exome Variant Server 0.00008.
gnomAD v4.1: 10 of 1,604,078 alleles (0.00062%); highest among the groups gnomAD compares: South Asian, 0.0011%; no homozygotes.

Submissions (2):

Labcorp Genetics (formerly Invitae), Labcorp
Classification: Likely benign. Last evaluated: 2023-02-16. Review status: criteria provided, single submitter. Criteria: Invitae Variant Classification Sherloc (09022015). Collection method: clinical testing. Allele origin: germline.

GeneDx
Classification: Likely benign. Last evaluated: 2016-10-18. Review status: criteria provided, single submitter. Criteria: GeneDx Variant Classification (06012015). Collection method: clinical testing. Allele origin: germline. Affected: yes.
Comment: This variant is considered likely benign or benign based on one or more of the following criteria: it is a conservative change, it occurs at a poorly conserved position in the protein, it is predicted to be benign by multiple in silico algorithms, and/or has population frequency not consistent with disease.